The following is an entry in ClinVar:

NM_001371596.2(MFSD8):c.979del (p.Val327fs)

Gene: MFSD8 (major facilitator superfamily domain containing 8; minus strand). Cytogenetic location: 4q28.2.
Variant type: Deletion.
Coding change: c.979del on transcript NM_001371596.2 (MANE Select); coding-DNA position 979, one base deleted (G; older notation c.979delG).
Protein change: p.Val327fs; shifts the reading frame from valine 327.
Molecular consequence: frameshift variant.
Genome position (GRCh38, 1-based): chr4:127,930,702, C deleted on the plus strand (G on the coding strand, the reverse complement: MFSD8 is on the minus strand). VCF-style (leftmost placement, unchanged base first): chr4-127930701-AC-A. GRCh37 (hg19) VCF-style: chr4-128851856-AC-A.
Other names: c.778del, p.Val260fs (NM_001363520.3); c.664del, p.Val222fs (NM_001363521.3); c.844del, p.Val282fs (NM_001371590.2); c.979del, p.Val327fs (NM_001371591.2, NM_152778.4); c.985del, p.Val329fs (NM_001371592.2); c.865del, p.Val289fs (NM_001371593.2, NM_001410766.1); c.832del, p.Val278fs (NM_001371594.2); c.697del, p.Val233fs (NM_001371595.1); and 2 more; short protein forms V177fs, V222fs, V233fs, V260fs, V278fs, V282fs, V289fs, V327fs.
Identifiers: ClinVar variation 2627614 (VCV002627614.4), dbSNP rs2546083094, ClinGen allele CA2582341568.

ClinVar aggregate classification (germline): Pathogenic. Review status: criteria provided, multiple submitters, no conflicts (2 of 4 stars). 3 submissions from 3 submitters: Pathogenic (3). Last evaluated 2025-11-26.

Conditions:
Late-infantile neuronal ceroid lipofuscinosis. Also called: Jansky-Bielschowsky disease. Identifiers: MedGen C0022340, MONDO:0015674.
Neuronal ceroid lipofuscinosis 7 (CLN7). Also called: MFSD8-Related Neuronal Ceroid-Lipofuscinosis. Identifiers: Orphanet 168491, Orphanet 228366, MedGen C1838571, MONDO:0012588, OMIM 610951.

Submissions (3):

Natera, Inc.
Classification: Pathogenic for Late-infantile neuronal ceroid lipofuscinosis. Last evaluated: 2025-11-26. Review status: criteria provided, single submitter. Criteria: Natera Variant Classification Schema (03/2026). Collection method: clinical testing. Allele origin: germline.
Comment: The c.979delG variant in MFSD8 is a frameshift variant predicted to shift the reading frame beginning at codon 327 and leads to a stop codon 87 codons downstream. This variant is expected to result in nonsense mediated decay, truncation, or a dysfunctional protein product. This variant is rare in the general population with a frequency below the threshold expected for the associated phenotype(s). This variant has been observed in one or more individuals affected with the associated recessive disease, as either homozygous or compound heterozygous with a second variant (PMID: 39675099). Given the available evidence, this variant is classified as Pathogenic.

Labcorp Genetics (formerly Invitae), Labcorp
Classification: Pathogenic for Neuronal ceroid lipofuscinosis 7. Last evaluated: 2025-09-10. Review status: criteria provided, single submitter. Criteria: Invitae Variant Classification Sherloc (09022015). Collection method: clinical testing. Allele origin: germline.
Comment: This sequence change creates a premature translational stop signal (p.Val327Leufs*87) in the MFSD8 gene. It is expected to result in an absent or disrupted protein product. Loss-of-function variants in MFSD8 are known to be pathogenic (PMID: 19177532, 25227500, 28586915). This variant is not present in population databases (gnomAD no frequency). This variant has not been reported in the literature in individuals affected with MFSD8-related conditions. ClinVar contains an entry for this variant (Variation ID: 2627614). For these reasons, this variant has been classified as Pathogenic.

Human Genome Lab, NIMHANS, National Institute of Mental Health and Neuro Sciences
Classification: Pathogenic for Neuronal ceroid lipofuscinosis 7. Review status: criteria provided, single submitter. Criteria: ACMG Guidelines, 2015. Collection method: clinical testing. Allele origin: germline. Inheritance: Autosomal recessive inheritance. Affected: yes. Observed: 1 homozygote.
Comment: The frameshift deletion NM_152778.4:c.979del has not been reported previously as a pathogenic variant nor as a benign variant, to our knowledge. The NP_689991.1:p.Val327Leufs*87 variant is novel (not in any individuals) in 1000 Genomes, gnomAD as well as in our inhouse database. This variant is predicted to cause loss of normal protein function through protein truncation caused by the frameshift mutation or such an mRNA is predicted to undergo nonsense mediated decay. The frame shifted sequence continues 87 residues until a stop codon is reached. This variant is a frameshift variant which occurs in an exon of MFSD8 upstream of where nonsense mediated decay is predicted to occur. There are 33 downstream pathogenic loss of function variants, with the furthest variant being 155 residues downstream of this variant. This indicates that the region is critical to protein function. The p.Val327Leufs*87 variant is a loss of function variant in the gene MFSD8, which is intolerant of Loss of Function variants, as indicated by the presence of existing pathogenic loss of function variant NP_689991.1:p.E9Dfs*19 and 53 others. In addition, the phenotype of the proband matches with that caused by pathogenic variants in MFSD8 gene. For these reasons, this variant has been classified as Pathogenic (PM2 PVS1 PP4_Strong).

Literature cited by the submitters: PubMed 39675099 (cited by Natera, Inc.); PubMed 19177532 (cited by Labcorp Genetics (formerly Invitae), Labcorp); PubMed 25227500 (cited by Labcorp Genetics (formerly Invitae), Labcorp); PubMed 28586915 (cited by Labcorp Genetics (formerly Invitae), Labcorp).